The following is an entry in ClinVar:

NM_005228.5(EGFR):c.1795G>A (p.Val599Ile)

Gene: EGFR (epidermal growth factor receptor; plus strand). Cytogenetic location: 7p11.2.
Variant type: single nucleotide variant.
Coding change: c.1795G>A on transcript NM_005228.5 (MANE Select); coding-DNA position 1795, G replaced by A.
Protein change: p.Val599Ile; replaces valine 599 with isoleucine.
Molecular consequence: missense variant.
Genome position (GRCh38, 1-based): chr7:55,165,352, G>A. VCF-style: chr7-55165352-G-A. GRCh37 (hg19) VCF-style: chr7-55233045-G-A.
Other names: c.1660G>A, p.Val554Ile (NM_001346897.2, NM_001346899.2); c.1795G>A, p.Val599Ile (NM_001346898.2, NM_201282.2, NM_201284.2); c.1636G>A, p.Val546Ile (NM_001346900.2); c.994G>A, p.Val332Ile (NM_001346941.2); short protein forms V332I, V546I, V554I, V599I.
Identifiers: ClinVar variation 1009011 (VCV001009011.10), dbSNP rs1785917504, ClinGen allele CA367580853.

ClinVar aggregate classification (germline): Uncertain significance. Review status: criteria provided, multiple submitters, no conflicts (2 of 4 stars). 2 submissions from 2 submitters: Uncertain significance (2). Last evaluated 2022-04-25.

Conditions:
EGFR-related lung cancer (EGFR). Identifiers: MedGen CN130014.

Submissions (2):

GeneDx
Classification: Uncertain significance. Last evaluated: 2022-04-25. Review status: criteria provided, single submitter. Criteria: GeneDx Variant Classification Process June 2021. Collection method: clinical testing. Allele origin: germline. Affected: yes.
Comment: Not observed at significant frequency in large population cohorts (gnomAD); In silico analysis supports that this missense variant does not alter protein structure/function; Has not been previously published as pathogenic or benign to our knowledge

Labcorp Genetics (formerly Invitae), Labcorp
Classification: Uncertain significance for EGFR-related lung cancer. Last evaluated: 2020-07-30. Review status: criteria provided, single submitter. Criteria: Invitae Variant Classification Sherloc (09022015). Collection method: clinical testing. Allele origin: germline.
Comment: This sequence change replaces valine with isoleucine at codon 599 of the EGFR protein (p.Val599Ile). The valine residue is weakly conserved and there is a small physicochemical difference between valine and isoleucine. In summary, the available evidence is currently insufficient to determine the role of this variant in disease. Therefore, it has been classified as a Variant of Uncertain Significance. Algorithms developed to predict the effect of missense changes on protein structure and function output the following: SIFT: "Tolerated"; PolyPhen-2: "Benign"; Align-GVGD: "Class C0". The isoleucine amino acid residue is found in multiple mammalian species, suggesting that this missense change does not adversely affect protein function. These predictions have not been confirmed by published functional studies and their clinical significance is uncertain. This variant has not been reported in the literature in individuals with EGFR-related conditions. This variant is not present in population databases (ExAC no frequency).